The following is an entry in ClinVar:

NM_005862.3(STAG1):c.3659T>C (p.Met1220Thr)

Gene: STAG1 (STAG1 cohesin complex component; minus strand). Cytogenetic location: 3q22.3.
Variant type: single nucleotide variant.
Coding change: c.3659T>C on transcript NM_005862.3 (MANE Select); coding-DNA position 3659, T replaced by C.
Protein change: p.Met1220Thr; replaces methionine 1220 with threonine.
Molecular consequence: missense variant.
Genome position (GRCh38, 1-based): chr3:136,340,504, A>G on the plus strand (T>C on the coding strand, the complement: STAG1 is on the minus strand). VCF-style: chr3-136340504-A-G. GRCh37 (hg19) VCF-style: chr3-136059346-A-G.
Other names: short protein forms M1220T.
Identifiers: ClinVar variation 4279725 (VCV004279725.1).

ClinVar aggregate classification (germline): Uncertain significance (1 of 4 stars; one submission).

Conditions:
Intellectual developmental disorder, autosomal dominant 47. Also called: MENTAL RETARDATION, AUTOSOMAL DOMINANT 47; Intellectual disability, autosomal dominant 47. Identifiers: Orphanet 502434, MedGen C4539951, MONDO:0030912, OMIM 617635.

Submission:

Clinical Genomics Laboratory, Washington University in St. Louis
Classification: Uncertain significance for Intellectual developmental disorder, autosomal dominant 47. Last evaluated: 2025-03-25. Review status: criteria provided, single submitter. Criteria: ACMG Guidelines, 2015. Collection method: clinical testing. Allele origin: germline.
Comment: The STAG1 c.3659T>C (p.Met1220Thr) variant, to our knowledge, has not been reported in the medical literature nor the ClinVar database. This variant is only observed 1/251,352 alleles in the general population (gnomAD v2.1), indicating it is not a common variant. Computational predictors are uncertain as to the impact of this variant on the STAG1 function. Due to limited information, and based on ACMG/AMP guidelines for variant interpretation (Richards S et al., PMID: 25741868), the clinical significance of this variant is uncertain at this time.